The following is an entry in ClinVar:

NM_004304.5(ALK):c.1552G>A (p.Ala518Thr)

Gene: ALK (ALK receptor tyrosine kinase; minus strand). Cytogenetic location: 2p23.2.
Variant type: single nucleotide variant.
Coding change: c.1552G>A on transcript NM_004304.5 (MANE Select); coding-DNA position 1552, G replaced by A.
Protein change: p.Ala518Thr; replaces alanine 518 with threonine.
Molecular consequence: missense variant.
Genome position (GRCh38, 1-based): chr2:29,318,399, C>T on the plus strand (G>A on the coding strand, the complement: ALK is on the minus strand). VCF-style: chr2-29318399-C-T. GRCh37 (hg19) VCF-style: chr2-29541265-C-T.
Other names: short protein forms A518T.
Identifiers: ClinVar variation 3638420 (VCV003638420.2).

ClinVar aggregate classification (germline): Uncertain significance (1 of 4 stars; one submission).

Conditions:
Neuroblastoma, susceptibility to, 3. Also called: ALK-Related Neuroblastic Tumor Susceptibility. Identifiers: Orphanet 635, MedGen C2751681, MONDO:0013083, OMIM 613014.

Submission:

Labcorp Genetics (formerly Invitae), Labcorp
Classification: Uncertain significance for Neuroblastoma, susceptibility to, 3. Last evaluated: 2024-02-02. Review status: criteria provided, single submitter. Criteria: Invitae Variant Classification Sherloc (09022015). Collection method: clinical testing. Allele origin: germline.
Comment: This sequence change replaces alanine, which is neutral and non-polar, with threonine, which is neutral and polar, at codon 518 of the ALK protein (p.Ala518Thr). This variant is not present in population databases (gnomAD no frequency). This variant has not been reported in the literature in individuals affected with ALK-related conditions. Algorithms developed to predict the effect of missense changes on protein structure and function output the following: SIFT: "Not Available"; PolyPhen-2: "Benign"; Align-GVGD: "Not Available". The threonine amino acid residue is found in multiple mammalian species, which suggests that this missense change does not adversely affect protein function. In summary, the available evidence is currently insufficient to determine the role of this variant in disease. Therefore, it has been classified as a Variant of Uncertain Significance.